The following is an entry in ClinVar:

NM_000075.4(CDK4):c.494A>G (p.Tyr165Cys)

Gene: CDK4 (cyclin dependent kinase 4; minus strand). Cytogenetic location: 12q14.1.
Variant type: single nucleotide variant.
Coding change: c.494A>G on transcript NM_000075.4 (MANE Select); coding-DNA position 494, A replaced by G.
Protein change: p.Tyr165Cys; replaces tyrosine 165 with cysteine.
Molecular consequence: missense variant.
Genome position (GRCh38, 1-based): chr12:57,750,951, T>C on the plus strand (A>G on the coding strand, the complement: CDK4 is on the minus strand). VCF-style: chr12-57750951-T-C. GRCh37 (hg19) VCF-style: chr12-58144734-T-C.
Other names: c.494A>G (NM_000075.3); short protein forms Y165C.
Identifiers: ClinVar variation 1014782 (VCV001014782.9), dbSNP rs1955229396, ClinGen allele CA385546213.

ClinVar aggregate classification (germline): Uncertain significance. Review status: criteria provided, multiple submitters, no conflicts (2 of 4 stars). 2 submissions from 2 submitters: Uncertain significance (2). Last evaluated 2025-06-16.

Conditions:
Familial melanoma. Also called: Hereditary cutaneous melanoma; Hereditary melanoma. Identifiers: Orphanet 618, MedGen C1512419, MONDO:0018961.
Hereditary cancer-predisposing syndrome. Also called: Hereditary Cancer Syndrome; Tumor predisposition; Neoplastic Syndromes, Hereditary; Hereditary neoplastic syndrome. Identifiers: Orphanet 140162, MedGen C0027672, MeSH D009386, MONDO:0015356.

Submissions (2):

Ambry Genetics
Classification: Uncertain significance for Hereditary cancer-predisposing syndrome. Last evaluated: 2025-06-16. Review status: criteria provided, single submitter. Criteria: Ambry Variant Classification Scheme 2023. Collection method: clinical testing. Allele origin: germline.
Comment: The p.Y165C variant (also known as c.494A>G), located in coding exon 3 of the CDK4 gene, results from an A to G substitution at nucleotide position 494. The tyrosine at codon 165 is replaced by cysteine, an amino acid with highly dissimilar properties. This amino acid position is well conserved in available vertebrate species. In addition, this alteration is predicted to be deleterious by in silico analysis. Based on the available evidence, the clinical significance of this variant remains unclear.

Labcorp Genetics (formerly Invitae), Labcorp
Classification: Uncertain significance for Familial melanoma. Last evaluated: 2023-10-13. Review status: criteria provided, single submitter. Criteria: Invitae Variant Classification Sherloc (09022015). Collection method: clinical testing. Allele origin: germline.
Comment: This sequence change replaces tyrosine, which is neutral and polar, with cysteine, which is neutral and slightly polar, at codon 165 of the CDK4 protein (p.Tyr165Cys). This variant is not present in population databases (gnomAD no frequency). This variant has not been reported in the literature in individuals affected with CDK4-related conditions. ClinVar contains an entry for this variant (Variation ID: 1014782). Advanced modeling of protein sequence and biophysical properties (such as structural, functional, and spatial information, amino acid conservation, physicochemical variation, residue mobility, and thermodynamic stability) performed at Invitae indicates that this missense variant is expected to disrupt CDK4 protein function. In summary, the available evidence is currently insufficient to determine the role of this variant in disease. Therefore, it has been classified as a Variant of Uncertain Significance.